The following is an entry in ClinVar:

NM_001379286.1(ZNF423):c.197A>C (p.Asp66Ala)

Gene: ZNF423 (zinc finger protein 423; minus strand). Cytogenetic location: 16q12.1.
Variant type: single nucleotide variant.
Coding change: c.197A>C on transcript NM_001379286.1 (MANE Select); coding-DNA position 197, A replaced by C.
Protein change: p.Asp66Ala; replaces aspartic acid 66 with alanine.
Molecular consequence: missense variant. On other transcripts: 5 prime UTR variant (1).
Genome position (GRCh38, 1-based): chr16:49,730,875, T>G on the plus strand (A>C on the coding strand, the complement: ZNF423 is on the minus strand). VCF-style: chr16-49730875-T-G. GRCh37 (hg19) VCF-style: chr16-49764786-T-G.
Other names: c.173A>C (NM_015069.2); c.-8A>C (NM_001271620.2); c.173A>C, p.Asp58Ala (NM_015069.5); short protein forms D66A, D58A.
Identifiers: ClinVar variation 942878 (VCV000942878.7), dbSNP rs749243699, ClinGen allele CA8046941.

ClinVar aggregate classification (germline): Uncertain significance. Review status: criteria provided, multiple submitters, no conflicts (2 of 4 stars). 3 submissions from 3 submitters: Uncertain significance (3). Last evaluated 2024-11-14.

Conditions:
Nephronophthisis 14 (NPHP14). Identifiers: Orphanet 2318, MedGen C3539071, MONDO:0013916, OMIM 614844.

Allele frequency attached by ClinVar (database versions not stated): TOPMed 0.00003; ExAC 0.00004; gnomAD 0.00004.
gnomAD v4.1: 64 of 1,614,082 alleles (0.004%); highest among the groups gnomAD compares: Non-Finnish European, 0.0046%; no homozygotes.

Submissions (3):

Ambry Genetics
Classification: Uncertain significance. Last evaluated: 2024-11-14. Review status: criteria provided, single submitter. Criteria: Ambry Variant Classification Scheme 2023. Collection method: clinical testing. Allele origin: germline.

Labcorp Genetics (formerly Invitae), Labcorp
Classification: Uncertain significance for Nephronophthisis 14. Last evaluated: 2022-07-19. Review status: criteria provided, single submitter. Criteria: Invitae Variant Classification Sherloc (09022015). Collection method: clinical testing. Allele origin: germline.
Comment: This sequence change replaces aspartic acid, which is acidic and polar, with alanine, which is neutral and non-polar, at codon 58 of the ZNF423 protein (p.Asp58Ala). This variant is present in population databases (rs749243699, gnomAD 0.01%). This variant has not been reported in the literature in individuals affected with ZNF423-related conditions. ClinVar contains an entry for this variant (Variation ID: 942878). Algorithms developed to predict the effect of missense changes on protein structure and function (SIFT, PolyPhen-2, Align-GVGD) all suggest that this variant is likely to be tolerated. In summary, the available evidence is currently insufficient to determine the role of this variant in disease. Therefore, it has been classified as a Variant of Uncertain Significance.

Blueprint Genetics
Classification: Uncertain significance. Last evaluated: 2022-06-21. Review status: criteria provided, single submitter. Criteria: ACMG Guidelines, 2015. Collection method: clinical testing. Allele origin: germline.